The following is an entry in ClinVar:

NM_000038.6(APC):c.1408+8A>T

Gene: APC (APC regulator of Wnt signaling pathway; plus strand). Cytogenetic location: 5q22.2.
Variant type: single nucleotide variant.
Coding change: c.1408+8A>T on transcript NM_000038.6 (MANE Select); 8 bases into the intron after coding-DNA position 1408, A replaced by T.
Molecular consequence: intron variant.
Genome position (GRCh38, 1-based): chr5:112,821,999, A>T. VCF-style: chr5-112821999-A-T. GRCh37 (hg19) VCF-style: chr5-112157696-A-T.
Other names: c.1408+8A>T (NM_001354895.2, NM_001127510.3, NM_001354896.2); c.1438+8A>T (NM_001354897.2); c.1135+8A>T (NM_001354902.2); c.1354+8A>T (NM_001127511.3); c.1333+8A>T (NM_001354898.2); c.1030+8A>T (NM_001354904.2); c.559+8A>T (NM_001354906.2); c.1105+8A>T (NM_001354903.2); and 3 more.
Identifiers: ClinVar variation 1128391 (VCV001128391.11), dbSNP rs1057523135, ClinGen allele CA2499217436.

ClinVar aggregate classification (germline): Likely benign. Review status: criteria provided, multiple submitters, no conflicts (2 of 4 stars). 2 submissions from 2 submitters: Likely benign (2). Last evaluated 2024-03-01.

Conditions:
Familial adenomatous polyposis 1 (FAP1). Also called: FAMILIAL ADENOMATOUS POLYPOSIS 1, ATTENUATED; POLYPOSIS, ADENOMATOUS INTESTINAL. Identifiers: MedGen C2713442, MONDO:0021056, OMIM 175100. Disease mechanism: loss of function.

Submissions (2):

Myriad Genetics, Inc.
Classification: Likely benign for Familial adenomatous polyposis 1. Last evaluated: 2024-03-01. Review status: criteria provided, single submitter. Criteria: Myriad Autosomal Dominant, Autosomal Recessive and X-Linked Classification Criteria (2023). Collection method: clinical testing. Allele origin: unknown.
Comment: This variant is considered likely benign. This variant is intronic and is not expected to impact mRNA splicing.

Labcorp Genetics (formerly Invitae), Labcorp
Classification: Likely benign for Familial adenomatous polyposis 1. Last evaluated: 2021-07-23. Review status: criteria provided, single submitter. Criteria: Invitae Variant Classification Sherloc (09022015). Collection method: clinical testing. Allele origin: germline.